The following is an entry in ClinVar:

NC_000017.11:g.4903157C>T

Genes: C17orf107 (chromosome 17 open reading frame 107; plus strand), CHRNE (cholinergic receptor nicotinic epsilon subunit; minus strand). Cytogenetic location: 17p13.2.
Variant type: single nucleotide variant.
Genome position: GRCh38 VCF-style: chr17-4903157-C-T. GRCh37 (hg19) VCF-style: chr17-4806452-C-T.
Identifiers: ClinVar variation 3720771 (VCV003720771.2).

ClinVar aggregate classification (germline): Pathogenic (1 of 4 stars; one submission).

Conditions:
Congenital myasthenic syndrome 4A. Also called: Myasthenic syndrome, congenital, 4a, slow-channel; CONGENITAL MYASTHENIC SYNDROME TYPE Ia1; MYASTHENIC SYNDROME, CONGENITAL, 4A, SLOW-CHANNEL, AUTOSOMAL RECESSIVE. Identifiers: Orphanet 590, MedGen C4225413, MONDO:0011600, OMIM 605809.

gnomAD v4.1: 1 of 1,312,436 alleles (0.000076%); highest among the groups gnomAD compares: Non-Finnish European, 0.00011%; no homozygotes.

Submission:

Labcorp Genetics (formerly Invitae), Labcorp
Classification: Pathogenic for Congenital myasthenic syndrome 4A. Last evaluated: 2024-02-01. Review status: criteria provided, single submitter. Criteria: Invitae Variant Classification Sherloc (09022015). Collection method: clinical testing. Allele origin: germline.
Comment: This variant occurs in a non-coding region of the CHRNE gene. It does not change the encoded amino acid sequence of the CHRNE protein. This variant is not present in population databases (gnomAD no frequency). This variant has been observed in individual(s) with congenital myasthenic syndrome (PMID: 11960891). In at least one individual the data is consistent with being in trans (on the opposite chromosome) from a pathogenic variant. Algorithms developed to predict the effect of variants on protein structure and function are not available or were not evaluated for this variant. Experimental studies have shown that this variant affects CHRNE function (PMID: 8663316, 9606190). For these reasons, this variant has been classified as Pathogenic.

Literature cited by the submitters: PubMed 11960891; PubMed 8663316; PubMed 9606190.